The following is an entry in ClinVar:

NM_007294.4(BRCA1):c.4743A>G (p.Glu1581=)

Gene: BRCA1 (BRCA1 DNA repair associated; minus strand). Cytogenetic location: 17q21.31.
Variant type: single nucleotide variant.
Coding change: c.4743A>G on transcript NM_007294.4 (MANE Select); coding-DNA position 4743, A replaced by G.
Protein change: p.Glu1581=; no amino-acid change (glutamic acid 1581 retained).
Molecular consequence: synonymous variant. On other transcripts: intron variant (1).
Genome position (GRCh38, 1-based): chr17:43,071,171, T>C on the plus strand (A>G on the coding strand, the complement: BRCA1 is on the minus strand). VCF-style: chr17-43071171-T-C. GRCh37 (hg19) VCF-style: chr17-41223188-T-C.
Other names: c.4620A>G, p.Glu1540= (NM_001407669.1, NM_001407919.1, NM_001407937.1 and 6 more transcripts); c.4617A>G, p.Glu1539= (NM_001407670.1, NM_001407671.1, NM_001407672.1 and 11 more transcripts); c.4614A>G, p.Glu1538= (NM_001407681.1, NM_001407682.1, NM_001407683.1 and 6 more transcripts); c.4743A>G, p.Glu1581= (NM_001407684.1, NM_001407854.1, NM_001407593.1 and 8 more transcripts); c.4611A>G, p.Glu1537= (NM_001407690.1, NM_001407691.1); c.4602A>G, p.Glu1534= (NM_001407692.1, NM_001407694.1, NM_001407695.1 and 13 more transcripts); c.4599A>G, p.Glu1533= (NM_001407732.1, NM_001407733.1, NM_001407734.1 and 21 more transcripts); c.4596A>G, p.Glu1532= (NM_001407838.1, NM_001407839.1, NM_001407841.1 and 12 more transcripts); and 71 more.
Identifiers: ClinVar variation 186507 (VCV000186507.9), dbSNP rs397509194, ClinGen allele CA003002.
Genomic context (GRCh38, chr17:43,071,171, plus strand): 5'-TTTCAATGCAGAGGTTGAAGATGGTATGTTGCCAACACGAGCTGACTCTGGGGCTCTGTC[T>C]TCAGAAGGATCAGATTCAGGGTCATCAGAGAAGAGGCTGATTCCAGATTCCAGGTAAGGG-3'
Protein context (NP_009225.1, residues 1571-1591): FSDDPESDPS[Glu1581=]DRAPESARVG

ClinVar aggregate classification (germline): Likely benign. Review status: reviewed by expert panel (3 of 4 stars). 3 submissions from 3 submitters: Likely benign (1). 2 of the submissions do not count toward it. Last evaluated 2017-06-29.

Conditions:
Hereditary breast ovarian cancer syndrome. Also called: Hereditary breast and ovarian cancer syndrome; Hereditary breast and ovarian cancer syndrome (HBOC); BRCA1- and BRCA2-Associated Hereditary Breast and Ovarian Cancer; Breast and ovarian cancer; Hereditary breast and ovarian cancer; Hereditary breast and/or ovarian cancer syndrome. Identifiers: Orphanet 145, MedGen C0677776, MeSH D061325, MONDO:0003582. Disease mechanism: loss of function.
Hereditary cancer-predisposing syndrome. Also called: Hereditary Cancer Syndrome; Hereditary neoplastic syndrome; Tumor predisposition; Neoplastic Syndromes, Hereditary. Identifiers: Orphanet 140162, MedGen C0027672, MeSH D009386, MONDO:0015356.
Breast-ovarian cancer, familial, susceptibility to, 1 (BROVCA1). Also called: OVARIAN CANCER, SUSCEPTIBILITY TO; BRCA1 Hereditary Breast and Ovarian Cancer. Identifiers: Orphanet 145, MedGen C2676676, MONDO:0011450, OMIM 604370. Disease mechanism: loss of function.

Allele frequency attached by ClinVar (database versions not stated): gnomAD exomes below 0.00001; ExAC 0.00001.
gnomAD v4.1: 1 of 1,614,200 alleles (0.000062%); highest among the groups gnomAD compares: South Asian, 0.0011%; no homozygotes.

Submissions (3):

Evidence-based Network for the Interpretation of Germline Mutant Alleles (ENIGMA)
Classification: Likely benign for Breast-ovarian cancer, familial, susceptibility to, 1. Last evaluated: 2017-06-29. Review status: reviewed by expert panel. Criteria: ENIGMA BRCA1/2 Classification Criteria (2017-06-29). Collection method: curation. Allele origin: germline.
Comment: Synonymous substitution variant, with low bioinformatic likelihood to result in a splicing aberration (Splicing prior probability 0.02).

Labcorp Genetics (formerly Invitae), Labcorp
Classification: Likely benign for Hereditary breast ovarian cancer syndrome. Last evaluated: 2025-11-25. Review status: criteria provided, single submitter. Criteria: Invitae Variant Classification Sherloc (09022015). Collection method: clinical testing. Allele origin: germline. Not counted in ClinVar's aggregate classification.

Ambry Genetics
Classification: Likely benign for Hereditary cancer-predisposing syndrome. Last evaluated: 2014-09-25. Review status: criteria provided, single submitter. Criteria: Ambry Variant Classification Scheme 2023. Collection method: clinical testing. Allele origin: germline. Not counted in ClinVar's aggregate classification.